The following is an entry in ClinVar:

ClinVar aggregate classification (germline): Likely pathogenic (1 of 4 stars; one submission).

Conditions:
Hereditary cancer-predisposing syndrome. Also called: Tumor predisposition; Hereditary Cancer Syndrome; Neoplastic Syndromes, Hereditary; Hereditary neoplastic syndrome. Identifiers: Orphanet 140162, MedGen C0027672, MeSH D009386, MONDO:0015356.

Submission:

Ambry Genetics
Classification: Likely pathogenic for Hereditary cancer-predisposing syndrome. Last evaluated: 2024-09-11. Review status: criteria provided, single submitter. Criteria: Ambry Variant Classification Scheme 2023. Collection method: clinical testing. Allele origin: germline.
Comment: The c.6348-1G>T intronic variant results from a G to T substitution one nucleotide upstream from coding exon 43 of the ATM gene. This variant is considered to be rare based on population cohorts in the Genome Aggregation Database (gnomAD). This nucleotide position is well conserved in available vertebrate species. In silico splice site analysis predicts that this alteration will weaken the native splice acceptor site and may result in the creation or strengthening of a novel splice acceptor site. Alterations that disrupt the canonical splice site are expected to cause aberrant splicing, resulting in an abnormal protein or a transcript that is subject to nonsense-mediated mRNA decay. As such, this alteration is classified as likely pathogenic.

NM_000051.4(ATM):c.6348-1G>T

Genes: ATM (ATM serine/threonine kinase; plus strand), C11orf65 (chromosome 11 open reading frame 65; minus strand). Cytogenetic location: 11q22.3.
Variant type: single nucleotide variant.
Coding change: c.6348-1G>T on transcript NM_000051.4 (MANE Select); the canonical splice acceptor site of the intron before coding-DNA position 6348, G replaced by T.
Molecular consequence: splice acceptor variant. On other transcripts: intron variant (2).
Genome position (GRCh38, 1-based): chr11:108,319,953, G>T. VCF-style: chr11-108319953-G-T. GRCh37 (hg19) VCF-style: chr11-108190680-G-T.
Other names: c.6348-1G>T (NM_001351834.2); c.641-10882C>A (NM_001330368.2); c.*39-10882C>A (NM_001351110.2).
Identifiers: ClinVar variation 3450878 (VCV003450878.1).